The following is an entry in ClinVar:

NM_022089.4(ATP13A2):c.3161C>T (p.Ser1054Phe)

Gene: ATP13A2 (ATPase cation transporting 13A2; minus strand). Cytogenetic location: 1p36.13.
Variant type: single nucleotide variant.
Coding change: c.3161C>T on transcript NM_022089.4 (MANE Select); coding-DNA position 3161, C replaced by T.
Protein change: p.Ser1054Phe; replaces serine 1054 with phenylalanine.
Molecular consequence: missense variant.
Genome position (GRCh38, 1-based): chr1:16,986,879, G>A on the plus strand (C>T on the coding strand, the complement: ATP13A2 is on the minus strand). VCF-style: chr1-16986879-G-A. GRCh37 (hg19) VCF-style: chr1-17313374-G-A.
Other names: c.3146C>T, p.Ser1049Phe (NM_001141973.3); c.3029C>T, p.Ser1010Phe (NM_001141974.3); short protein forms S1010F, S1049F, S1054F.
Identifiers: ClinVar variation 3896781 (VCV003896781.1).

ClinVar aggregate classification (germline): Uncertain significance (1 of 4 stars; one submission).

Submission:

Kariminejad - Najmabadi Pathology & Genetics Center
Classification: Uncertain significance. Last evaluated: 2023-07-26. Review status: criteria provided, single submitter. Criteria: ACMG Guidelines, 2015. Collection method: clinical testing. Allele origin: germline. Inheritance: Autosomal recessive inheritance. Affected: yes.
Comment: PM2 PP3